The following is an entry in ClinVar:

NM_152564.5(VPS13B):c.7423G>C (p.Gly2475Arg)

Gene: VPS13B (vacuolar protein sorting 13 homolog B; plus strand). Cytogenetic location: 8q22.2.
Variant type: single nucleotide variant.
Coding change: c.7423G>C on transcript NM_152564.5 (MANE Select); coding-DNA position 7423, G replaced by C.
Protein change: p.Gly2475Arg; replaces glycine 2475 with arginine.
Molecular consequence: missense variant.
Genome position (GRCh38, 1-based): chr8:99,776,950, G>C. VCF-style: chr8-99776950-G-C. GRCh37 (hg19) VCF-style: chr8-100789178-G-C.
Other names: c.7498G>C, p.Gly2500Arg (NM_017890.5); short protein forms G2475R, G2500R.
Identifiers: ClinVar variation 1930997 (VCV001930997.2), dbSNP rs2491830943, ClinGen allele CA371875909.

ClinVar aggregate classification (germline): Uncertain significance (1 of 4 stars; one submission).

Conditions:
Cohen syndrome (COH1). Also called: Cutis verticis gyrata, retinitis pigmentosa, and sensorineural deafness; PEPPER SYNDROME. Identifiers: Orphanet 193, MedGen C0265223, MONDO:0008999, OMIM 216550.

Submission:

Labcorp Genetics (formerly Invitae), Labcorp
Classification: Uncertain significance for Cohen syndrome. Last evaluated: 2022-06-15. Review status: criteria provided, single submitter. Criteria: Invitae Variant Classification Sherloc (09022015). Collection method: clinical testing. Allele origin: germline.
Comment: This sequence change replaces glycine, which is neutral and non-polar, with arginine, which is basic and polar, at codon 2500 of the VPS13B protein (p.Gly2500Arg). This variant is not present in population databases (gnomAD no frequency). This variant has not been reported in the literature in individuals affected with VPS13B-related conditions. Algorithms developed to predict the effect of missense changes on protein structure and function are either unavailable or do not agree on the potential impact of this missense change (SIFT: "Not Available"; PolyPhen-2: "Probably Damaging"; Align-GVGD: "Not Available"). Algorithms developed to predict the effect of sequence changes on RNA splicing suggest that this variant may create or strengthen a splice site. In summary, the available evidence is currently insufficient to determine the role of this variant in disease. Therefore, it has been classified as a Variant of Uncertain Significance.